The following is an entry in ClinVar:

ClinVar aggregate classification (germline): Uncertain significance (1 of 4 stars; one submission).

Submission:

Women's Health and Genetics/Laboratory Corporation of America, LabCorp
Classification: Uncertain significance. Last evaluated: 2024-07-23. Review status: criteria provided, single submitter. Criteria: LabCorp Variant Classification Summary - May 2015. Collection method: clinical testing. Allele origin: germline.
Comment: Variant summary: SLC2A2 c.776G>A (p.Ser259Asn) results in a conservative amino acid change located in the Major facilitator superfamily domain (IPR020846) of the encoded protein sequence. Four of five in-silico tools predict a benign effect of the variant on protein function. Consensus agreement among computation tools predict no significant impact on normal splicing. However, these predictions have yet to be confirmed by functional studies. The variant was absent in 249714 control chromosomes. The available data on variant occurrences in the general population are insufficient to allow any conclusion about variant significance. To our knowledge, no occurrence of c.776G>A in individuals affected with Fanconi-Bickel syndrome and no experimental evidence demonstrating its impact on protein function have been reported. No submitters have cited clinical-significance assessments for this variant to ClinVar. Based on the evidence outlined above, the variant was classified as uncertain significance.

NM_000340.2(SLC2A2):c.776G>A (p.Ser259Asn)

Gene: SLC2A2 (solute carrier family 2 member 2; minus strand). Cytogenetic location: 3q26.2.
Variant type: single nucleotide variant.
Coding change: c.776G>A on transcript NM_000340.2 (MANE Select); coding-DNA position 776, G replaced by A.
Protein change: p.Ser259Asn; replaces serine 259 with asparagine.
Molecular consequence: missense variant.
Genome position (GRCh38, 1-based): chr3:171,005,472, C>T on the plus strand (G>A on the coding strand, the complement: SLC2A2 is on the minus strand). VCF-style: chr3-171005472-C-T. GRCh37 (hg19) VCF-style: chr3-170723261-C-T.
Other names: c.419G>A, p.Ser140Asn (NM_001278658.2); c.257G>A, p.Ser86Asn (NM_001278659.2); short protein forms S140N, S259N, S86N.
Identifiers: ClinVar variation 3339388 (VCV003339388.1).